The following is an entry in ClinVar:

NM_000053.4(ATP7B):c.3699+1G>T

Gene: ATP7B (ATPase copper transporting beta; minus strand). Cytogenetic location: 13q14.3.
Variant type: single nucleotide variant.
Coding change: c.3699+1G>T on transcript NM_000053.4 (MANE Select); the canonical splice donor site of the intron after coding-DNA position 3699, G replaced by T.
Molecular consequence: splice donor variant.
Genome position (GRCh38, 1-based): chr13:51,939,050, C>A on the plus strand (G>T on the coding strand, the complement: ATP7B is on the minus strand). VCF-style: chr13-51939050-C-A. GRCh37 (hg19) VCF-style: chr13-52513186-C-A.
Other names: c.3666+1G>T (NM_001406514.1); c.2856+1G>T (NM_001406547.1); c.3051+1G>T (NM_001406545.1); c.3078+1G>T (NM_001005918.3); c.3018+1G>T (NM_001406546.1); c.3213+1G>T (NM_001406542.1, NM_001406541.1); c.3252+1G>T (NM_001406540.1); c.3447+1G>T (NM_001330579.2, NM_001406531.1, NM_001406532.1); and 20 more.
Identifiers: ClinVar variation 3576282 (VCV003576282.3).

ClinVar aggregate classification (germline): Likely pathogenic. Review status: criteria provided, multiple submitters, no conflicts (2 of 4 stars). 2 submissions from 2 submitters: Likely pathogenic (2). Last evaluated 2024-06-13.

Conditions:
Wilson disease (WND). Also called: Wilson's disease. Identifiers: Orphanet 905, MedGen C0019202, MONDO:0010200, OMIM 277900. Disease mechanism: loss of function.

Submissions (2):

Labcorp Genetics (formerly Invitae), Labcorp
Classification: Likely pathogenic for Wilson disease. Last evaluated: 2024-06-13. Review status: criteria provided, single submitter. Criteria: Invitae Variant Classification Sherloc (09022015). Collection method: clinical testing. Allele origin: germline.
Comment: This sequence change affects a donor splice site in intron 17 of the ATP7B gene. It is expected to disrupt RNA splicing. Variants that disrupt the donor or acceptor splice site typically lead to a loss of protein function (PMID: 16199547), and loss-of-function variants in ATP7B are known to be pathogenic (PMID: 10441329, 16283883). This variant is not present in population databases (gnomAD no frequency). Disruption of this splice site has been observed in individual(s) with Wilson disease (PMID: 15952988). Algorithms developed to predict the effect of sequence changes on RNA splicing suggest that this variant may disrupt the consensus splice site. In summary, the currently available evidence indicates that the variant is pathogenic, but additional data are needed to prove that conclusively. Therefore, this variant has been classified as Likely Pathogenic.

Fulgent Genetics
Classification: Likely pathogenic for Wilson disease. Last evaluated: 2024-05-17. Review status: criteria provided, single submitter. Criteria: ACMG Guidelines, 2015. Collection method: clinical testing. Allele origin: germline.

Literature cited by the submitters: PubMed 16199547 (cited by Labcorp Genetics (formerly Invitae), Labcorp); PubMed 10441329 (cited by Labcorp Genetics (formerly Invitae), Labcorp); PubMed 16283883 (cited by Labcorp Genetics (formerly Invitae), Labcorp); PubMed 15952988 (cited by Labcorp Genetics (formerly Invitae), Labcorp).